The following is an entry in ClinVar:

ClinVar aggregate classification (germline): Likely pathogenic (1 of 4 stars; one submission).

Conditions:
CFTR-related disorder (CFTR-RD). Also called: CFTR-related disorders; CFTR-related condition. Identifiers: MedGen C5924204, MONDO:7770004.

Submission:

Natera, Inc.
Classification: Likely pathogenic for CFTR-related disorders. Last evaluated: 2024-12-05. Review status: criteria provided, single submitter. Criteria: Natera Variant Classification Schema (03/2026). Collection method: clinical testing. Allele origin: germline.
Comment: The c.3140delG variant in CFTR is a frameshift variant predicted to shift the reading frame beginning at codon 1047 and leads to a stop codon 13 codons downstream. This variant is expected to result in nonsense mediated decay, truncation, or a dysfunctional protein product. This variant is rare in the general population with a frequency below the threshold expected for the associated phenotype(s). Given the available evidence, this variant is classified as Likely Pathogenic.

NM_000492.3(CFTR):c.3140delG

Genes: CFTR (CF transmembrane conductance regulator; plus strand), CFTR-AS2 (CFTR antisense RNA 2; minus strand), LOC111674472 (DNase I hypersensitive sites in introns 16 and 17a of CFTR; plus strand). Cytogenetic location: 7q31.2.
Variant type: Deletion.
Coding change: c.3140delG on transcript NM_000492.3; coding-DNA position 3140, one base deleted (G).
Genome position (GRCh38, 1-based): chr7:117,611,581, G deleted; the last of 2 consecutive G bases (chr7:117,611,580-117,611,581); deleting either gives the same sequence. VCF-style (leftmost placement, unchanged base first): chr7-117611579-AG-A. GRCh37 (hg19) VCF-style: chr7-117251633-AG-A.
Identifiers: ClinVar variation 4818528 (VCV004818528.1).